The following is an entry in ClinVar:

NM_032043.3(BRIP1):c.153A>G (p.Gly51=)

Gene: BRIP1 (BRCA1 interacting DNA helicase 1; minus strand). Cytogenetic location: 17q23.2.
Variant type: single nucleotide variant.
Coding change: c.153A>G on transcript NM_032043.3 (MANE Select); coding-DNA position 153, A replaced by G.
Protein change: p.Gly51=; no amino-acid change (glycine 51 retained).
Molecular consequence: synonymous variant.
Genome position (GRCh38, 1-based): chr17:61,859,848, T>C on the plus strand (A>G on the coding strand, the complement: BRIP1 is on the minus strand). VCF-style: chr17-61859848-T-C. GRCh37 (hg19) VCF-style: chr17-59937209-T-C.
Identifiers: ClinVar variation 819436 (VCV000819436.10), dbSNP rs1603367703, ClinGen allele CA501151663.

ClinVar aggregate classification (germline): Benign/Likely benign. Review status: criteria provided, multiple submitters, no conflicts (2 of 4 stars). 3 submissions from 3 submitters: Benign (1); Likely benign (2). Last evaluated 2024-08-09.

Conditions:
Familial cancer of breast. Also called: Hereditary breast cancer; hereditary breast carcinoma; BREAST CANCER, FAMILIAL. Identifiers: Orphanet 227535, MedGen C0346153, MONDO:0016419, OMIM 114480. Disease mechanism: loss of function.
Fanconi anemia complementation group J. Also called: BRIP1-Related Fanconi Anemia. Identifiers: Orphanet 84, MedGen C1836860, MONDO:0012187, OMIM 609054.
Hereditary cancer-predisposing syndrome. Also called: Hereditary Cancer Syndrome; Neoplastic Syndromes, Hereditary; Hereditary neoplastic syndrome; Tumor predisposition. Identifiers: Orphanet 140162, MedGen C0027672, MeSH D009386, MONDO:0015356.

Submissions (3):

Myriad Genetics, Inc.
Classification: Benign for Familial cancer of breast. Last evaluated: 2024-08-09. Review status: criteria provided, single submitter. Criteria: Myriad Autosomal Dominant, Autosomal Recessive and X-Linked Classification Criteria (2023). Collection method: clinical testing. Allele origin: unknown.
Comment: This variant is considered benign. This variant is a silent/synonymous amino acid change and it is not expected to impact splicing.

Labcorp Genetics (formerly Invitae), Labcorp
Classification: Likely benign for Familial cancer of breast; Fanconi anemia complementation group J. Last evaluated: 2021-12-13. Review status: criteria provided, single submitter. Criteria: Invitae Variant Classification Sherloc (09022015). Collection method: clinical testing. Allele origin: germline.

Ambry Genetics
Classification: Likely benign for Hereditary cancer-predisposing syndrome. Last evaluated: 2018-12-12. Review status: criteria provided, single submitter. Criteria: Ambry Variant Classification Scheme 2023. Collection method: clinical testing. Allele origin: germline.